The following is an entry in ClinVar:

ClinVar aggregate classification (germline): Uncertain significance (1 of 4 stars; one submission).

Allele frequency attached by ClinVar (database versions not stated): TOPMed 0.00001.

Submission:

CeGaT Center for Human Genetics Tuebingen
Classification: Uncertain significance. Last evaluated: 2024-12-01. Review status: criteria provided, single submitter. Criteria: CeGaT Center For Human Genetics Tuebingen Variant Classification Criteria Version 2. Collection method: clinical testing. Allele origin: germline. Affected: yes. Observed: 2 variant alleles.
Comment: COL3A1: PM2

NM_000090.4(COL3A1):c.4358A>T (p.Asp1453Val)

Gene: COL3A1 (collagen type III alpha 1 chain; plus strand). Cytogenetic location: 2q32.2.
Variant type: single nucleotide variant.
Coding change: c.4358A>T on transcript NM_000090.4 (MANE Select); coding-DNA position 4358, A replaced by T.
Protein change: p.Asp1453Val; replaces aspartic acid 1453 with valine.
Molecular consequence: missense variant.
Genome position (GRCh38, 1-based): chr2:189,011,731, A>T. VCF-style: chr2-189011731-A-T. GRCh37 (hg19) VCF-style: chr2-189876457-A-T.
Other names: short protein forms D1453V.
Identifiers: ClinVar variation 624166 (VCV000624166.43), dbSNP rs1049427570, ClinGen allele CA62565077.
Genomic context (GRCh38, chr2:189,011,731, plus strand): 5'-CACGCAAGGCTGTGAGACTACCTATTGTAGATATTGCACCCTATGACATTGGTGGTCCTG[A>T]TCAAGAATTTGGTGTGGACGTTGGCCCTGTTTGCTTTTTATAAACCAAACTCTATCTGAA-3'
Protein context (NP_000081.2, residues 1443-1463): DIAPYDIGGP[Asp1453Val]QEFGVDVGPV